The following is an entry in ClinVar:

ClinVar aggregate classification (germline): Uncertain significance (1 of 4 stars; one submission).

Conditions:
Inborn genetic diseases. Identifiers: MedGen C0950123, MeSH D030342.

gnomAD v4.1: 2 of 1,613,918 alleles (0.00012%); highest among the groups gnomAD compares: Non-Finnish European, 0.00017%; no homozygotes.

Submission:

Ambry Genetics
Classification: Uncertain significance for Inborn genetic diseases. Last evaluated: 2025-06-08. Review status: criteria provided, single submitter. Criteria: Ambry Variant Classification Scheme 2023. Collection method: clinical testing. Allele origin: germline.
Comment: The p.T325R variant (also known as c.974C>G), located in coding exon 9 of the ANKRD26 gene, results from a C to G substitution at nucleotide position 974. The threonine at codon 325 is replaced by arginine, an amino acid with similar properties. This amino acid position is conserved. In addition, this alteration is predicted to be tolerated by in silico analysis. Based on the available evidence, the clinical significance of this variant remains unclear.

NM_014915.3(ANKRD26):c.974C>G (p.Thr325Arg)

Gene: ANKRD26 (ankyrin repeat domain containing 26; minus strand). Cytogenetic location: 10p12.1.
Variant type: single nucleotide variant.
Coding change: c.974C>G on transcript NM_014915.3 (MANE Select); coding-DNA position 974, C replaced by G.
Protein change: p.Thr325Arg; replaces threonine 325 with arginine.
Molecular consequence: missense variant.
Genome position (GRCh38, 1-based): chr10:27,077,441, G>C on the plus strand (C>G on the coding strand, the complement: ANKRD26 is on the minus strand). VCF-style: chr10-27077441-G-C. GRCh37 (hg19) VCF-style: chr10-27366370-G-C.
Other names: c.974C>G, p.Thr325Arg (NM_001256053.2); short protein forms T325R.
Identifiers: ClinVar variation 3912371 (VCV003912371.1).